The following is an entry in ClinVar:

ClinVar aggregate classification (germline): Uncertain significance. Review status: criteria provided, multiple submitters, no conflicts (2 of 4 stars). 2 submissions from 2 submitters: Uncertain significance (2). Last evaluated 2025-06-17.

Conditions:
Tuberous sclerosis syndrome (TSC). Also called: Tuberous Sclerosis Complex; Tuberous sclerosis. Identifiers: Orphanet 805, MedGen C0041341, MONDO:0001734.
Tuberous sclerosis 2 (TSC2). Identifiers: Orphanet 805, MedGen C1860707, MONDO:0013199, OMIM 613254.

Submissions (2):

Color Diagnostics, LLC DBA Color Health
Classification: Uncertain significance for Tuberous sclerosis syndrome. Last evaluated: 2025-06-17. Review status: criteria provided, single submitter. Criteria: ACMG Guidelines, 2015. Collection method: clinical testing. Allele origin: germline.
Comment: This missense variant replaces valine with methionine at codon 488 of the TSC2 protein. Computational prediction suggests that this variant may not impact protein structure and function. To our knowledge, functional studies have not been reported for this variant. This variant has not been reported in individuals affected with TSC2-related disorders in the literature. This variant has not been identified in the general population by the Genome Aggregation Database (gnomAD). The available evidence is insufficient to determine the role of this variant in disease conclusively. Therefore, this variant is classified as a Variant of Uncertain Significance.

Labcorp Genetics (formerly Invitae), Labcorp
Classification: Uncertain significance for Tuberous sclerosis 2. Last evaluated: 2025-02-11. Review status: criteria provided, single submitter. Criteria: Invitae Variant Classification Sherloc (09022015). Collection method: clinical testing. Allele origin: germline.
Comment: This sequence change replaces valine, which is neutral and non-polar, with methionine, which is neutral and non-polar, at codon 488 of the TSC2 protein (p.Val488Met). This variant is not present in population databases (gnomAD no frequency). This variant has not been reported in the literature in individuals affected with TSC2-related conditions. ClinVar contains an entry for this variant (Variation ID: 2726921). Invitae Evidence Modeling of protein sequence and biophysical properties (such as structural, functional, and spatial information, amino acid conservation, physicochemical variation, residue mobility, and thermodynamic stability) indicates that this missense variant is not expected to disrupt TSC2 protein function with a negative predictive value of 95%. In summary, the available evidence is currently insufficient to determine the role of this variant in disease. Therefore, it has been classified as a Variant of Uncertain Significance.

NM_000548.5(TSC2):c.1462G>A (p.Val488Met)

Gene: TSC2 (TSC complex subunit 2; plus strand). Cytogenetic location: 16p13.3.
Variant type: single nucleotide variant.
Coding change: c.1462G>A on transcript NM_000548.5 (MANE Select); coding-DNA position 1462, G replaced by A.
Protein change: p.Val488Met; replaces valine 488 with methionine.
Molecular consequence: missense variant. On other transcripts: 5 prime UTR variant (1), non-coding transcript variant (5).
Genome position (GRCh38, 1-based): chr16:2,064,290, G>A. VCF-style: chr16-2064290-G-A. GRCh37 (hg19) VCF-style: chr16-2114291-G-A.
Other names: c.1462G>A, p.Val488Met (NM_001077183.3, NM_001114382.3, NM_001363528.2 and 6 more transcripts); c.1351G>A, p.Val451Met (NM_001318827.2, NM_001406670.1, NM_001406678.1); c.1315G>A, p.Val439Met (NM_001318829.2, NM_001406675.1, NM_001406676.1 and 1 more transcripts); c.862G>A, p.Val288Met (NM_001318831.2, NM_001406680.1, NM_001406682.1 and 6 more transcripts); c.1495G>A, p.Val499Met (NM_001318832.2); c.1552G>A, p.Val518Met (NM_001406667.1, NM_001406668.1); c.1450G>A, p.Val484Met (NM_001406671.1, NM_001406673.1); c.1405G>A, p.Val469Met (NM_001406677.1); and 3 more; short protein forms V451M, V484M, V488M, V288M, V499M, V40M, V439M, V334M.
Identifiers: ClinVar variation 2726921 (VCV002726921.4), dbSNP rs2151188599, ClinGen allele CA394325621.